The following is an entry in ClinVar:

NM_001963.6(EGF):c.1851A>G (p.Thr617=)

Gene: EGF (epidermal growth factor; plus strand). Cytogenetic location: 4q25.
Variant type: single nucleotide variant.
Coding change: c.1851A>G on transcript NM_001963.6 (MANE Select); coding-DNA position 1851, A replaced by G.
Protein change: p.Thr617=; no amino-acid change (threonine 617 retained).
Molecular consequence: synonymous variant.
Genome position (GRCh38, 1-based): chr4:109,976,033, A>G. VCF-style: chr4-109976033-A-G. GRCh37 (hg19) VCF-style: chr4-110897189-A-G.
Other names: c.1851A>G, p.Thr617= (NM_001178130.3); c.1725A>G, p.Thr575= (NM_001178131.3, NM_001357021.2); c.1851A>G (NM_001963.5).
Identifiers: ClinVar variation 900058 (VCV000900058.10), dbSNP rs763336139, ClinGen allele CA3043821.

ClinVar aggregate classification (germline): Conflicting classifications of pathogenicity. Review status: criteria provided, conflicting classifications (1 of 4 stars). 3 submissions from 3 submitters: Uncertain significance (1); Likely benign (1). 1 of the submissions does not count toward it. Last evaluated 2025-03-03.

Conditions:
Renal hypomagnesemia 4. Also called: HYPOMAGNESEMIA, RENAL, NORMOCALCIURIC. Identifiers: Orphanet 34527, MedGen C2673648, MONDO:0012717, OMIM 611718.
EGF-related disorder. Also called: EGF-related condition.

Allele frequency attached by ClinVar (database versions not stated): gnomAD 0.00003 and 0.00004; TOPMed 0.00005; ExAC 0.00006.
gnomAD v4.1: 57 of 1,613,802 alleles (0.0035%); highest among the groups gnomAD compares: Non-Finnish European, 0.0045%; no homozygotes.

Submissions (3):

Labcorp Genetics (formerly Invitae), Labcorp
Classification: Likely benign. Last evaluated: 2025-03-03. Review status: criteria provided, single submitter. Criteria: Invitae Variant Classification Sherloc (09022015). Collection method: clinical testing. Allele origin: germline.

Illumina Laboratory Services, Illumina
Classification: Uncertain significance for Renal hypomagnesemia 4. Last evaluated: 2017-04-27. Review status: criteria provided, single submitter. Criteria: ICSL Variant Classification Criteria 13 December 2019. Collection method: clinical testing. Allele origin: germline.

PreventionGenetics, part of Exact Sciences
Classification: Likely benign for EGF-related condition. Last evaluated: 2023-11-08. Review status: no assertion criteria provided. Collection method: clinical testing. Allele origin: germline. Not counted in ClinVar's aggregate classification.
Comment: This variant is classified as likely benign based on ACMG/AMP sequence variant interpretation guidelines (Richards et al. 2015 PMID: 25741868, with internal and published modifications).